The following is an entry in ClinVar:

ClinVar aggregate classification (germline): Uncertain significance (1 of 4 stars; one submission).

Submission:

Labcorp Genetics (formerly Invitae), Labcorp
Classification: Uncertain significance. Last evaluated: 2021-07-21. Review status: criteria provided, single submitter. Criteria: Invitae Variant Classification Sherloc (09022015). Collection method: clinical testing. Allele origin: germline.
Comment: In summary, the available evidence is currently insufficient to determine the role of this variant in disease. Therefore, it has been classified as a Variant of Uncertain Significance. Nucleotide substitutions within the consensus splice site are a relatively common cause of aberrant splicing (PMID: 17576681, 9536098). Algorithms developed to predict the effect of sequence changes on RNA splicing suggest that this variant may disrupt the consensus splice site, but this prediction has not been confirmed by published transcriptional studies. This variant has not been reported in the literature in individuals with NDUFA9-related conditions. This variant is not present in population databases (ExAC no frequency). This sequence change falls in intron 1 of the NDUFA9 gene. It does not directly change the encoded amino acid sequence of the NDUFA9 protein. It affects a nucleotide within the consensus splice site of the intron.

Literature cited by the submitters: PubMed 17576681; PubMed 9536098.

NM_005002.5(NDUFA9):c.49+6T>C

Gene: NDUFA9 (NADH:ubiquinone oxidoreductase subunit A9; plus strand). Cytogenetic location: 12p13.32.
Variant type: single nucleotide variant.
Coding change: c.49+6T>C on transcript NM_005002.5 (MANE Select); 6 bases into the intron after coding-DNA position 49, T replaced by C.
Molecular consequence: intron variant.
Genome position (GRCh38, 1-based): chr12:4,649,181, T>C. VCF-style: chr12-4649181-T-C. GRCh37 (hg19) VCF-style: chr12-4758347-T-C.
Identifiers: ClinVar variation 1506190 (VCV001506190.6), dbSNP rs2137457763, ClinGen allele CA2573148484.
Genomic context (GRCh38, chr12:4,649,181, plus strand): 5'-GAAAAGATGGCGGCTGCCGCACAATCCCGGGTTGTCCGGGTCCTGTCAATGTCACGTAAG[T>C]GTTACCGGGAACGGCGGCCCCTGGTCGGGATTCCGAGACGGGGATTTAAGGTTTTGGAAG-3'